The following is an entry in ClinVar:

NM_001164277.2(SLC37A4):c.-195-64C>T

Gene: SLC37A4 (solute carrier family 37 member 4; minus strand). Cytogenetic location: 11q23.3.
Variant type: single nucleotide variant.
Coding change: c.-195-64C>T on transcript NM_001164277.2 (MANE Select); 64 bases into the intron before 195 bases upstream of the start codon, C replaced by T.
Molecular consequence: intron variant.
Genome position (GRCh38, 1-based): chr11:119,029,628, G>A on the plus strand (C>T on the coding strand, the complement: SLC37A4 is on the minus strand). VCF-style: chr11-119029628-G-A. GRCh37 (hg19) VCF-style: chr11-118900338-G-A.
Other names: c.-344-64C>T (NM_001164279.2); c.-195-64C>T (NM_001467.6, NM_001164278.2).
Identifiers: ClinVar variation 779603 (VCV000779603.15), dbSNP rs56258965, ClinGen allele CA13574770.

ClinVar aggregate classification (germline): Benign. Review status: criteria provided, multiple submitters, no conflicts (2 of 4 stars). 3 submissions from 3 submitters: Benign (3). Last evaluated 2026-01-26.

Conditions:
Glucose-6-phosphate transport defect (GSD1B). Also called: Glycogen Storage Disease Type Ib; GSD Ib. Identifiers: Orphanet 364, Orphanet 79259, MedGen C0268146, MONDO:0009288, OMIM 232220.

Allele frequency attached by ClinVar (database versions not stated): 1000 Genomes Project 0.12939; 1000 Genomes Project 30x 0.12945; TOPMed 0.15464; gnomAD 0.15951 and 0.15980.

Submissions (3):

Labcorp Genetics (formerly Invitae), Labcorp
Classification: Benign for Glucose-6-phosphate transport defect. Last evaluated: 2026-01-26. Review status: criteria provided, single submitter. Criteria: Invitae Variant Classification Sherloc (09022015). Collection method: clinical testing. Allele origin: germline.

GeneDx
Classification: Benign. Last evaluated: 2018-06-23. Review status: criteria provided, single submitter. Criteria: GeneDx Variant Classification Process June 2021. Collection method: clinical testing. Allele origin: germline. Affected: yes.
Comment: This variant is associated with the following publications: (PMID: 17354259)

Breakthrough Genomics
Classification: Benign. Review status: criteria provided, single submitter. Criteria: ACMG Guidelines, 2015. Collection method: not provided. Allele origin: germline. Inheritance: Autosomal recessive inheritance. Affected: yes.